The following is an entry in ClinVar:

NM_021072.4(HCN1):c.71A>C (p.Lys24Thr)

Gene: HCN1 (hyperpolarization activated cyclic nucleotide gated potassium channel 1; minus strand). Cytogenetic location: 5p12.
Variant type: single nucleotide variant.
Coding change: c.71A>C on transcript NM_021072.4 (MANE Select); coding-DNA position 71, A replaced by C.
Protein change: p.Lys24Thr; replaces lysine 24 with threonine.
Molecular consequence: missense variant.
Genome position (GRCh38, 1-based): chr5:45,696,023, T>G on the plus strand (A>C on the coding strand, the complement: HCN1 is on the minus strand). VCF-style: chr5-45696023-T-G. GRCh37 (hg19) VCF-style: chr5-45696125-T-G.
Other names: short protein forms K24T.
Identifiers: ClinVar variation 2867054 (VCV002867054.3), dbSNP rs2478645011, ClinGen allele CA359706805.

ClinVar aggregate classification (germline): Uncertain significance (1 of 4 stars; one submission).

Conditions:
Early-infantile DEE. Also called: Ohtahara syndrome; Early infantile epileptic encephalopathy with suppression bursts; Early infantile epileptic encephalopathy. Identifiers: Orphanet 1934, MedGen C0393706, MONDO:0800491.

Submission:

Labcorp Genetics (formerly Invitae), Labcorp
Classification: Uncertain significance for Early-infantile DEE. Last evaluated: 2023-05-22. Review status: criteria provided, single submitter. Criteria: Invitae Variant Classification Sherloc (09022015). Collection method: clinical testing. Allele origin: germline.
Comment: In summary, the available evidence is currently insufficient to determine the role of this variant in disease. Therefore, it has been classified as a Variant of Uncertain Significance. This variant has not been reported in the literature in individuals affected with HCN1-related conditions. Advanced modeling of protein sequence and biophysical properties (such as structural, functional, and spatial information, amino acid conservation, physicochemical variation, residue mobility, and thermodynamic stability) performed at Invitae indicates that this missense variant is not expected to disrupt HCN1 protein function. This sequence change replaces lysine, which is basic and polar, with threonine, which is neutral and polar, at codon 24 of the HCN1 protein (p.Lys24Thr). This variant is not present in population databases (gnomAD no frequency).